The following is an entry in ClinVar:

ClinVar aggregate classification (germline): Uncertain significance (1 of 4 stars; one submission).

Submission:

Labcorp Genetics (formerly Invitae), Labcorp
Classification: Uncertain significance. Last evaluated: 2025-08-04. Review status: criteria provided, single submitter. Criteria: Invitae Variant Classification Sherloc (09022015). Collection method: clinical testing. Allele origin: germline.
Comment: This variant, c.1917_1919dup, results in the insertion of 1 amino acid(s) of the TCF3 protein (p.Pro640dup), but otherwise preserves the integrity of the reading frame. This variant is present in population databases (rs775980361, gnomAD 0.0009%). This variant has not been reported in the literature in individuals affected with TCF3-related conditions. In summary, the available evidence is currently insufficient to determine the role of this variant in disease. Therefore, it has been classified as a Variant of Uncertain Significance.

NM_003200.5(TCF3):c.1917_1919dup (p.Pro640_His641insPro)

Gene: TCF3 (transcription factor 3; minus strand). Cytogenetic location: 19p13.3.
Variant type: Duplication.
Coding change: c.1917_1919dup on transcript NM_003200.5 (MANE Select); coding-DNA positions 1917 to 1919, 3 bases duplicated (TCC; older notation c.1917_1919dupTCC).
Protein change: p.Pro640_His641insPro.
Molecular consequence: inframe insertion.
Genome position (GRCh38, 1-based): chr19:1,611,753-1,611,755, GGA duplicated on the plus strand (TCC on the coding strand, the reverse complement: TCF3 is on the minus strand); duplicating any 3 consecutive bases within chr19:1,611,753-1,611,756 gives the same sequence; the c. name uses the placement nearest the transcript's 3' end. VCF-style (leftmost placement, unchanged base first): chr19-1611752-G-GGGA. GRCh37 (hg19) VCF-style: chr19-1611751-G-GGGA.
Other names: c.1908_1910dup, p.Pro637_His638insPro (NM_001136139.4, NM_001351779.2); c.1914_1916dup, p.Pro639_His640insPro (NM_001351778.2).
Identifiers: ClinVar variation 4812270 (VCV004812270.1).
Genomic context (GRCh38, chr19:1,611,752, plus strand): 5'-ACGGAGGCATACCTTTCACATGTGCCCGGCGGGGTTGTGGGCTTCGCTCAGGCCTGGGTG[G>GGGA]GGAGCTGAAAGCACCATCTGGGGGTCTCCAACCACACCTGACACCTTTTCCTCTTCTCGC-3'